The following is an entry in ClinVar:

ClinVar aggregate classification (germline): Benign/Likely benign. Review status: criteria provided, multiple submitters, no conflicts (2 of 4 stars). 3 submissions from 3 submitters: Benign (1); Likely benign (1). 1 of the submissions does not count toward it. Last evaluated 2025-02-28.

Conditions:
SOX6-related disorder. Also called: SOX6-related condition.

Allele frequency attached by ClinVar (database versions not stated): gnomAD exomes 0.00015; ExAC 0.00027; 1000 Genomes Project 30x 0.00031; ESP Exome Variant Server 0.00031; gnomAD 0.00031; TOPMed 0.00038; 1000 Genomes Project 0.00040.
gnomAD v4.1: 282 of 1,611,640 alleles (0.017%); highest among the groups gnomAD compares: Middle Eastern, 0.17%; no homozygotes.

Submissions (3):

Labcorp Genetics (formerly Invitae), Labcorp
Classification: Likely benign. Last evaluated: 2025-02-28. Review status: criteria provided, single submitter. Criteria: Invitae Variant Classification Sherloc (09022015). Collection method: clinical testing. Allele origin: germline.

CeGaT Center for Human Genetics Tuebingen
Classification: Benign. Last evaluated: 2022-04-01. Review status: criteria provided, single submitter. Criteria: CeGaT Center For Human Genetics Tuebingen Variant Classification Criteria Version 2. Collection method: clinical testing. Allele origin: germline. Affected: yes. Observed: 1 variant allele.
Comment: SOX6: BS1, BS2

PreventionGenetics, part of Exact Sciences
Classification: Likely benign for SOX6-related condition. Last evaluated: 2019-11-25. Review status: no assertion criteria provided. Collection method: clinical testing. Allele origin: germline. Not counted in ClinVar's aggregate classification.
Comment: This variant is classified as likely benign based on ACMG/AMP sequence variant interpretation guidelines (Richards et al. 2015 PMID: 25741868, with internal and published modifications).

NM_001367873.1(SOX6):c.1732+6T>C

Gene: SOX6 (SRY-box transcription factor 6; minus strand). Cytogenetic location: 11p15.2.
Variant type: single nucleotide variant.
Coding change: c.1732+6T>C on transcript NM_001367873.1 (MANE Select); 6 bases into the intron after coding-DNA position 1732, T replaced by C.
Molecular consequence: intron variant.
Genome position (GRCh38, 1-based): chr11:16,014,936, A>G on the plus strand (T>C on the coding strand, the complement: SOX6 is on the minus strand). VCF-style: chr11-16014936-A-G. GRCh37 (hg19) VCF-style: chr11-16036482-A-G.
Other names: c.1609+6T>C (NM_001367872.1); c.1732+6T>C (NM_033326.3, NM_001145819.2); c.1651+6T>C (NM_001145811.2, NM_017508.3); c.1771+6T>C (NM_001145819.1).
Identifiers: ClinVar variation 2641631 (VCV002641631.28), dbSNP rs139623452, ClinGen allele CA5898046.